The following is an entry in ClinVar:

NM_001374736.1(DST):c.4638+4T>C

Gene: DST (dystonin; minus strand). Cytogenetic location: 6p12.1.
Variant type: single nucleotide variant.
Coding change: c.4638+4T>C on transcript NM_001374736.1 (MANE Select); 4 bases into the intron after coding-DNA position 4638, T replaced by C.
Molecular consequence: intron variant.
Genome position (GRCh38, 1-based): chr6:56,627,995, A>G on the plus strand (T>C on the coding strand, the complement: DST is on the minus strand). VCF-style: chr6-56627995-A-G. GRCh37 (hg19) VCF-style: chr6-56492793-A-G.
Other names: c.4539+4T>C (NM_001144769.5); c.4638+4T>C (NM_001374722.1); c.4665+4T>C (NM_001374734.1); c.4125+4T>C (NM_001144770.2); c.4005+4T>C (NM_001374730.1, NM_001386100.1, NM_183380.4 and 1 more transcripts); c.3027+4T>C (NM_015548.5, NM_001723.7).
Identifiers: ClinVar variation 1487233 (VCV001487233.6), dbSNP rs2098748510, ClinGen allele CA1630180112.
Genomic context (GRCh38, chr6:56,627,995, plus strand): 5'-AGATGAGGAGCATGACTGACCAAATGCAGACATAACCTCAGTAGAGGGAATTATTTTTAC[A>G]TACCTTCTGTTGATTCAACTGTGTGGCTAGGGTTTTACTATTTTCAGGCTGATTTTCCTG-3'

ClinVar aggregate classification (germline): Uncertain significance (1 of 4 stars; one submission).

Conditions:
Hereditary sensory and autonomic neuropathy type 6. Also called: HSAN VI; Neuropathy, hereditary sensory and autonomic, type VI. Identifiers: Orphanet 314381, MedGen C3539003, MONDO:0013839, OMIM 614653.
Epidermolysis bullosa simplex 3, localized or generalized intermediate, with BP230 deficiency (EBS3). Also called: Epidermolysis bullosa simplex, autosomal recessive 2; Epidermolysis bullosa simplex due to BP230 deficiency. Identifiers: Orphanet 412181, MedGen C3809470, MONDO:0014180, OMIM 615425.

Allele frequency attached by ClinVar (database versions not stated): gnomAD exomes below 0.00001; TOPMed below 0.00001.
gnomAD v4.1: 2 of 1,613,550 alleles (0.00012%); highest among the groups gnomAD compares: Non-Finnish European, 0.000085%; no homozygotes.

Submission:

Labcorp Genetics (formerly Invitae), Labcorp
Classification: Uncertain significance for Epidermolysis bullosa simplex 3, localized or generalized intermediate, with BP230 deficiency; Hereditary sensory and autonomic neuropathy type 6. Last evaluated: 2021-06-28. Review status: criteria provided, single submitter. Criteria: Invitae Variant Classification Sherloc (09022015). Collection method: clinical testing. Allele origin: germline.
Comment: In summary, the available evidence is currently insufficient to determine the role of this variant in disease. Therefore, it has been classified as a Variant of Uncertain Significance. Nucleotide substitutions within the consensus splice site are a relatively common cause of aberrant splicing (PMID: 17576681, 9536098). Algorithms developed to predict the effect of sequence changes on RNA splicing suggest that this variant is not likely to affect RNA splicing. This variant has not been reported in the literature in individuals affected with DST-related conditions. This variant is not present in population databases (ExAC no frequency). This sequence change falls in intron 19 of the DST gene. It does not directly change the encoded amino acid sequence of the DST protein. It affects a nucleotide within the consensus splice site of the intron.

Literature cited by the submitters: PubMed 17576681; PubMed 9536098.